The following is an entry in ClinVar:

ClinVar aggregate classification (germline): Benign/Likely benign. Review status: criteria provided, multiple submitters, no conflicts (2 of 4 stars). 4 submissions from 4 submitters: Benign (1); Likely benign (2). 1 of the submissions does not count toward it. Last evaluated 2026-02-01.

Conditions:
Actin accumulation myopathy (CMYO2A). Also called: Nemaline myopathy type 3; Myopathy, actin, congenital, with excess of thin myofilaments; CONGENITAL MYOPATHY 2A, TYPICAL, AUTOSOMAL DOMINANT; Myopathy, actin, congenital, with cores; Nemaline myopathy 3, with intranuclear rods. Identifiers: Orphanet 98904, MedGen C3711389, MONDO:0008070, OMIM 161800.

Submissions (4):

Labcorp Genetics (formerly Invitae), Labcorp
Classification: Benign for Actin accumulation myopathy. Last evaluated: 2026-02-01. Review status: criteria provided, single submitter. Criteria: Invitae Variant Classification Sherloc (09022015). Collection method: clinical testing. Allele origin: germline.

Blueprint Genetics
Classification: Likely benign. Last evaluated: 2024-11-22. Review status: criteria provided, single submitter. Criteria: ACMG Guidelines, 2015. Collection method: clinical testing. Allele origin: germline.

GeneDx
Classification: Likely benign. Last evaluated: 2018-03-05. Review status: criteria provided, single submitter. Criteria: GeneDx Variant Classification (06012015). Collection method: clinical testing. Allele origin: germline. Affected: yes.
Comment: This variant is considered likely benign or benign based on one or more of the following criteria: it is a conservative change, it occurs at a poorly conserved position in the protein, it is predicted to be benign by multiple in silico algorithms, and/or has population frequency not consistent with disease.

Eurofins Ntd Llc (ga)
Classification: Benign for AllHighlyPenetrant. Last evaluated: 2012-10-22. Review status: no assertion criteria provided. Collection method: clinical testing. Allele origin: germline. Observed: 10 variant alleles, 9 heterozygotes, 1 homozygote. Not counted in ClinVar's aggregate classification.

Literature cited by the submitters: PubMed 23757202 (cited by Eurofins Ntd Llc (ga)).

NM_001100.4(ACTA1):c.809-18dup

Gene: ACTA1 (actin alpha 1, skeletal muscle; minus strand). Cytogenetic location: 1q42.13.
Variant type: Duplication.
Coding change: c.809-18dup on transcript NM_001100.4 (MANE Select); 18 bases into the intron before coding-DNA position 809, one base duplicated (C; older notation c.809-18dupC).
Molecular consequence: intron variant.
Genome position (GRCh38, 1-based): chr1:229,431,917, G duplicated on the plus strand (C on the coding strand, the reverse complement: ACTA1 is on the minus strand); the first of 4 consecutive G bases (chr1:229,431,917-229,431,920); duplicating any one gives the same sequence. VCF-style (leftmost placement, unchanged base first): chr1-229431916-C-CG. GRCh37 (hg19) VCF-style: chr1-229567663-C-CG.
Other names: c.809-15dupC (NM_001100.3).
Identifiers: ClinVar variation 93553 (VCV000093553.14), dbSNP rs398123565, ClinGen allele CA147049.